The following is an entry in ClinVar:

ClinVar aggregate classification (germline): Benign/Likely benign. Review status: criteria provided, multiple submitters, no conflicts (2 of 4 stars). 5 submissions from 5 submitters: Benign (1); Likely benign (2). 2 of the submissions do not count toward it. Last evaluated 2026-01-31.

Conditions:
RPGRIP1L-related disorder. Also called: RPGRIP1L-related disorders; RPGRIP1L-related condition. Identifiers: MedGen CN239416.
Meckel-Gruber syndrome. Also called: Dysencephalia splachnocystica; DYSENCEPHALIA SPLANCHNOCYSTICA; GRUBER SYNDROME. Identifiers: Orphanet 564, MedGen C0265215, MONDO:0018921.
Joubert syndrome. Also called: Familial aplasia of the vermis; JOUBERT-BOLTSHAUSER SYNDROME. Identifiers: Orphanet 475, MedGen C5979921, MONDO:0018772.

Allele frequency attached by ClinVar (database versions not stated): gnomAD 0.00001 and 0.00015; TOPMed 0.00003; gnomAD exomes 0.00033 and 0.00075; 1000 Genomes Project 0.00120; ExAC 0.00077; 1000 Genomes Project 30x 0.00109.
gnomAD v4.1: 518 of 1,613,434 alleles (0.032%); highest among the groups gnomAD compares: South Asian, 0.52%; 8 homozygotes.

Submissions (5):

Labcorp Genetics (formerly Invitae), Labcorp
Classification: Benign for Joubert syndrome; Meckel-Gruber syndrome. Last evaluated: 2026-01-31. Review status: criteria provided, single submitter. Criteria: Invitae Variant Classification Sherloc (09022015). Collection method: clinical testing. Allele origin: germline.

Blueprint Genetics
Classification: Likely benign. Last evaluated: 2024-07-23. Review status: criteria provided, single submitter. Criteria: ACMG Guidelines, 2015. Collection method: clinical testing. Allele origin: germline.

Eurofins Ntd Llc (ga)
Classification: Likely benign. Last evaluated: 2017-04-12. Review status: criteria provided, single submitter. Criteria: EGL Classification Definitions 2015. Collection method: clinical testing. Allele origin: germline. Observed: 1 variant allele, 1 heterozygote.

PreventionGenetics, part of Exact Sciences
Classification: Likely benign for RPGRIP1L-related condition. Last evaluated: 2020-10-19. Review status: no assertion criteria provided. Collection method: clinical testing. Allele origin: germline. Not counted in ClinVar's aggregate classification.
Comment: This variant is classified as likely benign based on ACMG/AMP sequence variant interpretation guidelines (Richards et al. 2015 PMID: 25741868, with internal and published modifications).

Natera, Inc.
Classification: Likely benign for Joubert syndrome. Last evaluated: 2020-01-22. Review status: no assertion criteria provided. Collection method: clinical testing. Allele origin: germline. Not counted in ClinVar's aggregate classification.

NM_015272.5(RPGRIP1L):c.2030C>T (p.Thr677Ile)

Gene: RPGRIP1L (RPGRIP1 like; minus strand). Cytogenetic location: 16q12.2.
Variant type: single nucleotide variant.
Coding change: c.2030C>T on transcript NM_015272.5 (MANE Select); coding-DNA position 2030, C replaced by T.
Protein change: p.Thr677Ile; replaces threonine 677 with isoleucine.
Molecular consequence: missense variant.
Genome position (GRCh38, 1-based): chr16:53,652,657, G>A on the plus strand (C>T on the coding strand, the complement: RPGRIP1L is on the minus strand). VCF-style: chr16-53652657-G-A. GRCh37 (hg19) VCF-style: chr16-53686569-G-A.
Other names: c.2030C>T, p.Thr677Ile (NM_001127897.4, NM_001308334.3, NM_001330538.2); c.2030C>T (NM_015272.4); short protein forms T677I.
Identifiers: ClinVar variation 194541 (VCV000194541.19), dbSNP rs532768944, ClinGen allele CA201222.